The following is an entry in ClinVar:

NM_001267550.2(TTN):c.24879T>C (p.Ile8293=)

Gene: TTN (titin; minus strand). Cytogenetic location: 2q31.2.
Variant type: single nucleotide variant.
Coding change: c.24879T>C on transcript NM_001267550.2 (MANE Select); coding-DNA position 24879, T replaced by C.
Protein change: p.Ile8293=; no amino-acid change (isoleucine 8293 retained).
Molecular consequence: synonymous variant. On other transcripts: intron variant (3).
Genome position (GRCh38, 1-based): chr2:178,718,127, A>G on the plus strand (T>C on the coding strand, the complement: TTN is on the minus strand). VCF-style: chr2-178718127-A-G. GRCh37 (hg19) VCF-style: chr2-179582854-A-G.
Other names: c.23928T>C, p.Ile7976= (NM_001256850.1); c.21147T>C, p.Ile7049= (NM_133378.4); c.13282+19955T>C (NM_003319.4); c.13858+19955T>C (NM_133437.4); c.13657+19955T>C (NM_133432.3).
Identifiers: ClinVar variation 466935 (VCV000466935.15), dbSNP rs1221548315, ClinGen allele CA430286233.

ClinVar aggregate classification (germline): Conflicting classifications of pathogenicity. Review status: criteria provided, conflicting classifications (1 of 4 stars). 3 submissions from 3 submitters: Uncertain significance (1); Likely benign (2). Last evaluated 2026-04-07.

Conditions:
TTN-related disorder. Also called: TTN-related condition; TTN-related disease; TTN-related disorders.
Autosomal recessive limb-girdle muscular dystrophy type 2J (LGMDR10). Also called: Limb-girdle muscular dystrophy, type 2J; MUSCULAR DYSTROPHY, LIMB-GIRDLE, AUTOSOMAL RECESSIVE 10. Identifiers: Orphanet 140922, MedGen C1837342, MONDO:0012127, OMIM 608807.
Dilated cardiomyopathy 1G (CMD1G). Identifiers: Orphanet 154, MedGen C1858763, MONDO:0011400, OMIM 604145.

Allele frequency attached by ClinVar (database versions not stated): gnomAD exomes 0.00001; TOPMed 0.00001.
gnomAD v4.1: 3 of 1,610,754 alleles (0.00019%); highest among the groups gnomAD compares: Non-Finnish European, 0.00025%; no homozygotes.

Submissions (3):

PreventionGenetics, part of Exact Sciences
Classification: Likely benign for TTN-related condition. Last evaluated: 2026-04-07. Review status: criteria provided, single submitter. Criteria: ACMG Guidelines, 2015. Collection method: clinical testing. Allele origin: germline.
Comment: This variant is classified as likely benign based on ACMG/AMP sequence variant interpretation guidelines (Richards et al. 2015 PMID: 25741868, with internal and published modifications).

Labcorp Genetics (formerly Invitae), Labcorp
Classification: Likely benign for Dilated cardiomyopathy 1G; Autosomal recessive limb-girdle muscular dystrophy type 2J. Last evaluated: 2025-10-06. Review status: criteria provided, single submitter. Criteria: Invitae Variant Classification Sherloc (09022015). Collection method: clinical testing. Allele origin: germline.

Revvity Omics, Revvity
Classification: Uncertain significance. Last evaluated: 2020-12-08. Review status: criteria provided, single submitter. Criteria: ACMG Guidelines, 2015. Collection method: clinical testing. Allele origin: germline.